The following is an entry in ClinVar:

ClinVar aggregate classification (germline): Uncertain significance (1 of 4 stars; one submission).

gnomAD v4.1: 1 of 1,613,400 alleles (0.000062%); highest among the groups gnomAD compares: Non-Finnish European, 0.000085%; no homozygotes.

Submission:

Labcorp Genetics (formerly Invitae), Labcorp
Classification: Uncertain significance. Last evaluated: 2025-06-16. Review status: criteria provided, single submitter. Criteria: Invitae Variant Classification Sherloc (09022015). Collection method: clinical testing. Allele origin: germline.
Comment: This sequence change replaces arginine, which is basic and polar, with glutamine, which is neutral and polar, at codon 213 of the GNA11 protein (p.Arg213Gln). This variant is not present in population databases (gnomAD no frequency). This variant has not been reported in the literature in individuals affected with GNA11-related conditions. Invitae Evidence Modeling of protein sequence and biophysical properties (such as structural, functional, and spatial information, amino acid conservation, physicochemical variation, residue mobility, and thermodynamic stability) indicates that this missense variant is expected to disrupt GNA11 protein function with a positive predictive value of 80%. In summary, the available evidence is currently insufficient to determine the role of this variant in disease. Therefore, it has been classified as a Variant of Uncertain Significance.

NM_002067.5(GNA11):c.638G>A (p.Arg213Gln)

Gene: GNA11 (G protein subunit alpha 11; plus strand). Cytogenetic location: 19p13.3.
Variant type: single nucleotide variant.
Coding change: c.638G>A on transcript NM_002067.5 (MANE Select); coding-DNA position 638, G replaced by A.
Protein change: p.Arg213Gln; replaces arginine 213 with glutamine.
Molecular consequence: missense variant.
Genome position (GRCh38, 1-based): chr19:3,118,956, G>A. VCF-style: chr19-3118956-G-A. GRCh37 (hg19) VCF-style: chr19-3118954-G-A.
Other names: short protein forms R213Q.
Identifiers: ClinVar variation 4707187 (VCV004707187.1).